The following is an entry in ClinVar:

NM_005263.5(GFI1):c.1159A>G (p.Ser387Gly)

Genes: GFI1 (growth factor independent 1 transcriptional repressor; minus strand), LOC129930930 (ATAC-STARR-seq lymphoblastoid active region 1314; plus strand). Cytogenetic location: 1p22.1.
Variant type: single nucleotide variant.
Coding change: c.1159A>G on transcript NM_005263.5 (MANE Select); coding-DNA position 1159, A replaced by G.
Protein change: p.Ser387Gly; replaces serine 387 with glycine.
Molecular consequence: missense variant.
Genome position (GRCh38, 1-based): chr1:92,476,139, T>C on the plus strand (A>G on the coding strand, the complement: GFI1 is on the minus strand). VCF-style: chr1-92476139-T-C. GRCh37 (hg19) VCF-style: chr1-92941696-T-C.
Other names: c.1159A>G, p.Ser387Gly (NM_001127215.3, NM_001127216.3); short protein forms S387G.
Identifiers: ClinVar variation 4671614 (VCV004671614.2).

ClinVar aggregate classification (germline): Uncertain significance (1 of 4 stars; one submission).

gnomAD v4.1: 2 of 1,614,010 alleles (0.00012%); highest among the groups gnomAD compares: East Asian, 0.0022%; no homozygotes.

Submission:

Ambry Genetics
Classification: Uncertain significance. Last evaluated: 2026-04-26. Review status: criteria provided, single submitter. Criteria: Ambry Variant Classification Scheme 2023. Collection method: clinical testing. Allele origin: germline.
Comment: The p.S387G variant (also known as c.1159A>G), located in coding exon 6 of the GFI1 gene, results from an A to G substitution at nucleotide position 1159. The serine at codon 387 is replaced by glycine, an amino acid with similar properties. This amino acid position is conserved. In addition, this alteration is predicted to be tolerated by in silico analysis. Based on the available evidence, the clinical significance of this variant remains unclear.